The following is an entry in ClinVar:

ClinVar aggregate classification (germline): Uncertain significance (1 of 4 stars; one submission).

Conditions:
Familial intrahepatic cholestasis. Identifiers: Orphanet 284385, MedGen CN296401, MONDO:0017290.

gnomAD v4.1: 1 of 1,614,218 alleles (0.000062%); highest among the groups gnomAD compares: Non-Finnish European, 0.000085%; no homozygotes.

Submission:

Genomenon, Inc
Classification: Uncertain significance for Familial intrahepatic cholestasis. Last evaluated: 2026-04-14. Review status: criteria provided, single submitter. Criteria: Genomenon Sequence Variant Interpretation Standards - Updated. Collection method: curation. Allele origin: germline. Affected: yes.
Comment: ATP8B1 p.Gln415Arg (c.1244A>G) is a missense variant that changes the amino acid at residue 415 from Glutamine to Arginine. This variant has been observed in at least one proband with features of ATP8B1-deficiency (PMID:34828443). It is absent or not present at a significant frequency in gnomAD. In silico models predict that this variant is possibly or probably damaging. In conclusion, we classify ATP8B1 p.Gln415Arg (c.1244A>G) as a variant of uncertain significance.

Literature cited by the submitters: PubMed 34828443.

NM_001374385.1(ATP8B1):c.1244A>G (p.Gln415Arg)

Gene: ATP8B1 (ATPase phospholipid transporting 8B1; minus strand). Cytogenetic location: 18q21.31.
Variant type: single nucleotide variant.
Coding change: c.1244A>G on transcript NM_001374385.1 (MANE Select); coding-DNA position 1244, A replaced by G.
Protein change: p.Gln415Arg; replaces glutamine 415 with arginine.
Molecular consequence: missense variant.
Genome position (GRCh38, 1-based): chr18:57,688,484, T>C on the plus strand (A>G on the coding strand, the complement: ATP8B1 is on the minus strand). VCF-style: chr18-57688484-T-C. GRCh37 (hg19) VCF-style: chr18-55355716-T-C.
Other names: c.1094A>G, p.Gln365Arg (NM_001374386.1); c.1244A>G, p.Gln415Arg (NM_005603.6); short protein forms Q365R, Q415R.
Identifiers: ClinVar variation 4846268 (VCV004846268.1).